The following is an entry in ClinVar:

ClinVar aggregate classification (germline): Uncertain significance. Review status: criteria provided, multiple submitters, no conflicts (2 of 4 stars). 2 submissions from 2 submitters: Uncertain significance (2). Last evaluated 2022-05-07.

Conditions:
Hereditary cancer-predisposing syndrome. Also called: Hereditary Cancer Syndrome; Tumor predisposition; Hereditary neoplastic syndrome; Neoplastic Syndromes, Hereditary. Identifiers: Orphanet 140162, MedGen C0027672, MeSH D009386, MONDO:0015356.
Rhabdoid tumor predisposition syndrome 2 (RTPS2). Identifiers: Orphanet 231108, Orphanet 69077, MedGen C2750074, MONDO:0013224, OMIM 613325.

Allele frequency attached by ClinVar (database versions not stated): gnomAD 0.00001.
gnomAD v4.1: 1 of 1,614,060 alleles (0.000062%); highest among the groups gnomAD compares: Non-Finnish European, 0.000085%; no homozygotes.

Submissions (2):

Labcorp Genetics (formerly Invitae), Labcorp
Classification: Uncertain significance for Rhabdoid tumor predisposition syndrome 2. Last evaluated: 2022-05-07. Review status: criteria provided, single submitter. Criteria: Invitae Variant Classification Sherloc (09022015). Collection method: clinical testing. Allele origin: germline.
Comment: Algorithms developed to predict the effect of missense changes on protein structure and function (SIFT, PolyPhen-2, Align-GVGD) all suggest that this variant is likely to be tolerated. This sequence change replaces isoleucine, which is neutral and non-polar, with valine, which is neutral and non-polar, at codon 802 of the SMARCA4 protein (p.Ile802Val). This variant is present in population databases (no rsID available, gnomAD 0.0009%). This variant has not been reported in the literature in individuals affected with SMARCA4-related conditions. In summary, the available evidence is currently insufficient to determine the role of this variant in disease. Therefore, it has been classified as a Variant of Uncertain Significance.

Ambry Genetics
Classification: Uncertain significance for Hereditary cancer-predisposing syndrome. Last evaluated: 2020-10-20. Review status: criteria provided, single submitter. Criteria: Ambry Variant Classification Scheme 2023. Collection method: clinical testing. Allele origin: germline.
Comment: The p.I802V variant (also known as c.2404A>G), located in coding exon 15 of the SMARCA4 gene, results from an A to G substitution at nucleotide position 2404. The isoleucine at codon 802 is replaced by valine, an amino acid with highly similar properties. This amino acid position is well conserved in available vertebrate species. In addition, this alteration is predicted to be tolerated by in silico analysis. Since supporting evidence is limited at this time, the clinical significance of this alteration remains unclear.

NM_003072.5(SMARCA4):c.2404A>G (p.Ile802Val)

Gene: SMARCA4 (SWI/SNF related BAF chromatin remodeling complex subunit ATPase 4; plus strand). Cytogenetic location: 19p13.2.
Variant type: single nucleotide variant.
Coding change: c.2404A>G on transcript NM_003072.5 (MANE Select); coding-DNA position 2404, A replaced by G.
Protein change: p.Ile802Val; replaces isoleucine 802 with valine.
Molecular consequence: missense variant. On other transcripts: non-coding transcript variant (1).
Genome position (GRCh38, 1-based): chr19:11,013,078, A>G. VCF-style: chr19-11013078-A-G. GRCh37 (hg19) VCF-style: chr19-11123754-A-G.
Other names: c.2404A>G, p.Ile802Val (NM_001128844.3, NM_001128845.2, NM_001128846.2 and 5 more transcripts); short protein forms I802V.
Identifiers: ClinVar variation 1409642 (VCV001409642.8), dbSNP rs1454445195, ClinGen allele CA404053293.
Genomic context (GRCh38, chr19:11,013,078, plus strand): 5'-GGCCTGGGGAAGACCATCCAGACCATCGCGCTCATCACGTACCTCATGGAGCACAAACGC[A>G]TCAATGGGCCCTTCCTCATCATCGTGCCTCTCTCGTGAGTACCCGCTGCCAGCAACATCC-3'
Protein context (NP_003063.2, residues 792-812): LITYLMEHKR[Ile802Val]NGPFLIIVPL